The following is an entry in ClinVar:

ClinVar aggregate classification (germline): Uncertain significance. Review status: criteria provided, multiple submitters, no conflicts (2 of 4 stars). 3 submissions from 3 submitters: Uncertain significance (3). Last evaluated 2025-08-06.

Conditions:
Inborn genetic diseases. Identifiers: MedGen C0950123, MeSH D030342.
Hermansky-Pudlak syndrome 1 (HPS1). Also called: DELTA STORAGE POOL DISEASE. Identifiers: Orphanet 231500, Orphanet 79430, MedGen C2931875, MONDO:0008748, OMIM 203300.

Allele frequency attached by ClinVar (database versions not stated): ExAC 0.00002.
gnomAD v4.1: 16 of 1,613,702 alleles (0.00099%); highest among the groups gnomAD compares: Non-Finnish European, 0.0014%; no homozygotes.

Submissions (3):

Ambry Genetics
Classification: Uncertain significance for Inborn genetic diseases. Last evaluated: 2025-08-06. Review status: criteria provided, single submitter. Criteria: Ambry Variant Classification Scheme 2023. Collection method: clinical testing. Allele origin: germline.

Fulgent Genetics
Classification: Uncertain significance for Hermansky-Pudlak syndrome 1. Last evaluated: 2024-06-12. Review status: criteria provided, single submitter. Criteria: ACMG Guidelines, 2015. Collection method: clinical testing. Allele origin: germline.

Labcorp Genetics (formerly Invitae), Labcorp
Classification: Uncertain significance. Last evaluated: 2022-05-25. Review status: criteria provided, single submitter. Criteria: Invitae Variant Classification Sherloc (09022015). Collection method: clinical testing. Allele origin: germline.
Comment: This sequence change replaces threonine, which is neutral and polar, with serine, which is neutral and polar, at codon 677 of the HPS1 protein (p.Thr677Ser). This variant is present in population databases (rs759073147, gnomAD 0.004%). This variant has not been reported in the literature in individuals affected with HPS1-related conditions. Algorithms developed to predict the effect of missense changes on protein structure and function (SIFT, PolyPhen-2, Align-GVGD) all suggest that this variant is likely to be tolerated. Algorithms developed to predict the effect of sequence changes on RNA splicing suggest that this variant may create or strengthen a splice site. In summary, the available evidence is currently insufficient to determine the role of this variant in disease. Therefore, it has been classified as a Variant of Uncertain Significance.

NM_000195.5(HPS1):c.2030C>G (p.Thr677Ser)

Gene: HPS1 (HPS1 biogenesis of lysosomal organelles complex 3 subunit 1; minus strand). Cytogenetic location: 10q24.2.
Variant type: single nucleotide variant.
Coding change: c.2030C>G on transcript NM_000195.5 (MANE Select); coding-DNA position 2030, C replaced by G.
Protein change: p.Thr677Ser; replaces threonine 677 with serine.
Molecular consequence: missense variant.
Genome position (GRCh38, 1-based): chr10:98,417,637, G>C on the plus strand (C>G on the coding strand, the complement: HPS1 is on the minus strand). VCF-style: chr10-98417637-G-C. GRCh37 (hg19) VCF-style: chr10-100177394-G-C.
Other names: c.2030C>G (NM_000195.3); c.1058C>G, p.Thr353Ser (NM_001311345.2, NM_001322487.2, NM_001322489.2); c.2030C>G, p.Thr677Ser (NM_001322476.2, NM_001322477.2); c.1931C>G, p.Thr644Ser (NM_001322478.2, NM_001322479.2); c.1769C>G, p.Thr590Ser (NM_001322480.2, NM_001322481.2); c.1670C>G, p.Thr557Ser (NM_001322482.2); c.1661C>G, p.Thr554Ser (NM_001322483.2, NM_001322484.2); c.1562C>G, p.Thr521Ser (NM_001322485.2); short protein forms T353S, T554S, T557S, T521S, T590S, T644S, T677S.
Identifiers: ClinVar variation 2178379 (VCV002178379.3), dbSNP rs759073147, ClinGen allele CA5638801.
Genomic context (GRCh38, chr10:98,417,637, plus strand): 5'-ATACGGGAGGCCTCCCAGAGGCGCCGGGCCAGCTGGCCGGCCTGCTGCACCAGCAGGTCA[G>C]TGGGGATGACAGACAGGTGCAGGGCCAGCAGCTCGTAGCACCTGACAGCCTCGGTTGGGC-3'
Protein context (NP_000186.2, residues 667-687): LLALHLSVIP[Thr677Ser]DLLVQQAGQL